The following is an entry in ClinVar:

ClinVar aggregate classification (germline): Conflicting classifications of pathogenicity. Review status: criteria provided, conflicting classifications (1 of 4 stars). 2 submissions from 2 submitters: Uncertain significance (1); Likely benign (1). Last evaluated 2023-12-12.

Conditions:
Autosomal recessive polycystic kidney disease (ARPKD). Also called: AR polycystic kidney disease. Identifiers: Orphanet 731, Orphanet 8378, MedGen C0085548, MeSH D017044, MONDO:0009889.

Allele frequency attached by ClinVar (database versions not stated): gnomAD 0.00001; gnomAD exomes 0.00001; TOPMed 0.00001.
gnomAD v4.1: 17 of 1,612,930 alleles (0.0011%); highest among the groups gnomAD compares: Non-Finnish European, 0.0014%; no homozygotes.

Submissions (2):

Labcorp Genetics (formerly Invitae), Labcorp
Classification: Likely benign for Autosomal recessive polycystic kidney disease. Last evaluated: 2023-12-12. Review status: criteria provided, single submitter. Criteria: Invitae Variant Classification Sherloc (09022015). Collection method: clinical testing. Allele origin: germline.

GeneDx
Classification: Uncertain significance. Last evaluated: 2022-06-21. Review status: criteria provided, single submitter. Criteria: GeneDx Variant Classification Process June 2021. Collection method: clinical testing. Allele origin: germline. Affected: yes.
Comment: Not observed at significant frequency in large population cohorts (gnomAD); In silico analysis supports that this variant does not alter splicing; Has not been previously published as pathogenic or benign to our knowledge

NM_138694.4(PKHD1):c.10074T>C (p.Asp3358=)

Gene: PKHD1 (PKHD1 ciliary IPT domain containing fibrocystin/polyductin; minus strand). Cytogenetic location: 6p12.3.
Variant type: single nucleotide variant.
Coding change: c.10074T>C on transcript NM_138694.4 (MANE Select); coding-DNA position 10074, T replaced by C.
Protein change: p.Asp3358=; no amino-acid change (aspartic acid 3358 retained).
Molecular consequence: synonymous variant.
Genome position (GRCh38, 1-based): chr6:51,744,467, A>G on the plus strand (T>C on the coding strand, the complement: PKHD1 is on the minus strand). VCF-style: chr6-51744467-A-G. GRCh37 (hg19) VCF-style: chr6-51609265-A-G.
Other names: c.10074T>C, p.Asp3358= (NM_170724.3).
Identifiers: ClinVar variation 1806665 (VCV001806665.6), dbSNP rs1332327354, ClinGen allele CA450412032.